The following is an entry in ClinVar:

ClinVar aggregate classification (germline): Benign. Review status: criteria provided, multiple submitters, no conflicts (2 of 4 stars). 4 submissions from 3 submitters: Benign (3). 1 of the submissions does not count toward it. Last evaluated 2018-01-13.

Conditions:
Leprosy, susceptibility to, 1. Also called: LEPROSY, PAUCIBACILLARY TYPE, SUSCEPTIBILITY TO, 1; LPRS1; Leprosy 1. Identifiers: Orphanet 548, MedGen C1835932, MONDO:0012358, OMIM 609888.
Inflammatory bowel disease 1 (IBD1). Also called: Inflammatory bowel disease 1, Crohn disease; INFLAMMATORY BOWEL DISEASE (CROHN DISEASE) 1. Identifiers: MedGen CN260071, MONDO:0009960, OMIM 266600.
Blau syndrome (BLAUS). Also called: ARTHROCUTANEOUVEAL GRANULOMATOSIS; GRANULOMATOSIS, FAMILIAL JUVENILE SYSTEMIC; GRANULOMATOSIS, FAMILIAL, BLAU TYPE; GRANULOMATOUS INFLAMMATORY ARTHRITIS, DERMATITIS, AND UVEITIS, FAMILIAL; JABS SYNDROME. Identifiers: Orphanet 90340, MedGen C5201146, MONDO:0008523, OMIM 186580.

Allele frequency attached by ClinVar (database versions not stated): 1000 Genomes Project 0.35823; 1000 Genomes Project 30x 0.36243; gnomAD exomes 0.37576; gnomAD 0.44475 and 0.45667; TOPMed 0.44776.
gnomAD v4.1: 143,362 of 353,018 alleles (41%); highest among the groups gnomAD compares: African/African-American, 56%; 30,965 homozygotes.

Submissions (4):

Illumina Laboratory Services, Illumina
Classification: Benign for Blau syndrome. Last evaluated: 2018-01-13. Review status: criteria provided, single submitter. Criteria: ICSL Variant Classification Criteria 13 December 2019. Collection method: clinical testing. Allele origin: germline.
Comment: This variant was observed in the ICSL laboratory as part of a predisposition screen in an ostensibly healthy population. It had not been previously curated by ICSL or reported in the Human Gene Mutation Database (HGMD: prior to June 1st, 2018), and was therefore a candidate for classification through an automated scoring system. Utilizing variant allele frequency, disease prevalence and penetrance estimates, and inheritance mode, an automated score was calculated to assess if this variant is too frequent to cause the disease. Based on the score and internal cut-off values, a variant classified as benign is not then subjected to further curation. The score for this variant resulted in a classification of benign for this disease.

Illumina Laboratory Services, Illumina
Classification: Benign for Inflammatory bowel disease 1. Last evaluated: 2018-01-13. Review status: criteria provided, single submitter. Criteria: ICSL Variant Classification Criteria 13 December 2019. Collection method: clinical testing. Allele origin: germline.
Comment: the same text as in the submission from Illumina Laboratory Services, Illumina above.

Breakthrough Genomics
Classification: Benign. Review status: criteria provided, single submitter. Criteria: ACMG Guidelines, 2015. Collection method: not provided. Allele origin: germline. Inheritance: Multifactorial inheritance. Affected: yes.

Centro Dermatológico Federico Lleras Acosta, Hospital Universitario Centro Dermatológico Federico Lleras Acosta
Classification: Uncertain risk allele for Leprosy, susceptibility to, 1. Last evaluated: 2022-06-10. Review status: no assertion criteria provided. Collection method: case-control. Allele origin: inherited. Affected: yes. Not counted in ClinVar's aggregate classification.

NM_001370466.1(NOD2):c.*397A>C

Genes: CYLD-AS1 (CYLD antisense RNA 1; minus strand), NOD2 (nucleotide binding oligomerization domain containing 2; plus strand). Cytogenetic location: 16q12.1.
Variant type: single nucleotide variant.
Coding change: c.*397A>C on transcript NM_001370466.1 (MANE Select); 397 bases downstream of the stop codon, A replaced by C.
Molecular consequence: 3 prime UTR variant. On other transcripts: non-coding transcript variant (1).
Genome position (GRCh38, 1-based): chr16:50,732,216, A>C. VCF-style: chr16-50732216-A-C. GRCh37 (hg19) VCF-style: chr16-50766127-A-C.
Other names: c.*397A>C (LRG_177t1, NM_001293557.2, NM_022162.3).
Identifiers: ClinVar variation 319482 (VCV000319482.9), dbSNP rs3135499, ClinGen allele CA10637859.